The following is an entry in ClinVar:

ClinVar aggregate classification (germline): Conflicting classifications of pathogenicity. Review status: criteria provided, conflicting classifications (1 of 4 stars). 2 submissions from 2 submitters: Uncertain significance (1); Benign (1). Last evaluated 2025-03-31.

Allele frequency attached by ClinVar (database versions not stated): gnomAD 0.00001; gnomAD exomes 0.00001 and 0.00002; TOPMed 0.00002; ExAC 0.00003.
gnomAD v4.1: 18 of 1,613,892 alleles (0.0011%); highest among the groups gnomAD compares: South Asian, 0.012%; no homozygotes.

Submissions (2):

Labcorp Genetics (formerly Invitae), Labcorp
Classification: Benign. Last evaluated: 2025-03-31. Review status: criteria provided, single submitter. Criteria: Invitae Variant Classification Sherloc (09022015). Collection method: clinical testing. Allele origin: germline.

GeneDx
Classification: Uncertain significance. Last evaluated: 2023-06-20. Review status: criteria provided, single submitter. Criteria: GeneDx Variant Classification Process June 2021. Collection method: clinical testing. Allele origin: germline. Affected: yes.
Comment: In silico analysis supports that this missense variant has a deleterious effect on protein structure/function; Has not been previously published as pathogenic or benign to our knowledge; Not located in the triple helical region, where the majority of pathogenic missense variants occur (HGMD)

NM_001844.5(COL2A1):c.4376G>A (p.Arg1459His)

Gene: COL2A1 (collagen type II alpha 1 chain; minus strand). Cytogenetic location: 12q13.11.
Variant type: single nucleotide variant.
Coding change: c.4376G>A on transcript NM_001844.5 (MANE Select); coding-DNA position 4376, G replaced by A.
Protein change: p.Arg1459His; replaces arginine 1459 with histidine.
Molecular consequence: missense variant.
Genome position (GRCh38, 1-based): chr12:47,973,495, C>T on the plus strand (G>A on the coding strand, the complement: COL2A1 is on the minus strand). VCF-style: chr12-47973495-C-T. GRCh37 (hg19) VCF-style: chr12-48367278-C-T.
Other names: c.4169G>A, p.Arg1390His (NM_033150.3); short protein forms R1390H, R1459H.
Identifiers: ClinVar variation 1207296 (VCV001207296.9), dbSNP rs777416478, ClinGen allele CA6534468.